The following is an entry in ClinVar:

NM_000090.4(COL3A1):c.1531G>C (p.Ala511Pro)

Gene: COL3A1 (collagen type III alpha 1 chain; plus strand). Cytogenetic location: 2q32.2.
Variant type: single nucleotide variant.
Coding change: c.1531G>C on transcript NM_000090.4 (MANE Select); coding-DNA position 1531, G replaced by C.
Protein change: p.Ala511Pro; replaces alanine 511 with proline.
Molecular consequence: missense variant.
Genome position (GRCh38, 1-based): chr2:188,995,713, G>C. VCF-style: chr2-188995713-G-C. GRCh37 (hg19) VCF-style: chr2-189860439-G-C.
Other names: short protein forms A511P.
Identifiers: ClinVar variation 2879473 (VCV002879473.4), dbSNP rs926106259, ClinGen allele CA349852126.

ClinVar aggregate classification (germline): Uncertain significance. Review status: criteria provided, multiple submitters, no conflicts (2 of 4 stars). 2 submissions from 2 submitters: Uncertain significance (2). Last evaluated 2023-11-30.

Conditions:
Ehlers-Danlos syndrome, type 4 (EDSVASC). Also called: Ehlers-Danlos syndrome vascular type; Ehlers Danlos syndrome, ecchymotic type; Ehlers Danlos syndrome, arterial type; Ehlers Danlos syndrome, Sack-Barabas type; Ehlers-Danlos Syndrome Type IV. Identifiers: Orphanet 286, MedGen C0268338, MONDO:0017314, OMIM 130050.

gnomAD v4.1: 2 of 1,559,490 alleles (0.00013%); highest among the groups gnomAD compares: African/African-American, 0.0027%; no homozygotes.

Submissions (2):

All of Us Research Program, National Institutes of Health
Classification: Uncertain significance for Ehlers-Danlos syndrome, type 4. Last evaluated: 2023-11-30. Review status: criteria provided, single submitter. Criteria: ACMG Guidelines, 2015. Collection method: clinical testing. Allele origin: germline. Inheritance: Autosomal dominant inheritance. Observed: 1 variant allele, 1 heterozygote.
Comment: This study involves interpretation of variants in research participants for the purpose of population health screening. Participant phenotype was not available at the time of variant classification. Additional details can be found in publication PMID: 35346344, PMCID: PMC8962531

Labcorp Genetics (formerly Invitae), Labcorp
Classification: Uncertain significance for Ehlers-Danlos syndrome, type 4. Last evaluated: 2023-02-20. Review status: criteria provided, single submitter. Criteria: Invitae Variant Classification Sherloc (09022015). Collection method: clinical testing. Allele origin: germline.
Comment: Advanced modeling of protein sequence and biophysical properties (such as structural, functional, and spatial information, amino acid conservation, physicochemical variation, residue mobility, and thermodynamic stability) performed at Invitae indicates that this missense variant is not expected to disrupt COL3A1 protein function. This variant has not been reported in the literature in individuals affected with COL3A1-related conditions. This variant is not present in population databases (gnomAD no frequency). This sequence change replaces alanine, which is neutral and non-polar, with proline, which is neutral and non-polar, at codon 511 of the COL3A1 protein (p.Ala511Pro). In summary, the available evidence is currently insufficient to determine the role of this variant in disease. Therefore, it has been classified as a Variant of Uncertain Significance.